The following is an entry in ClinVar:

NM_000051.4(ATM):c.3709A>T (p.Ile1237Phe)

Gene: ATM (ATM serine/threonine kinase; plus strand). Cytogenetic location: 11q22.3.
Variant type: single nucleotide variant.
Coding change: c.3709A>T on transcript NM_000051.4 (MANE Select); coding-DNA position 3709, A replaced by T.
Protein change: p.Ile1237Phe; replaces isoleucine 1237 with phenylalanine.
Molecular consequence: missense variant.
Genome position (GRCh38, 1-based): chr11:108,282,842, A>T. VCF-style: chr11-108282842-A-T. GRCh37 (hg19) VCF-style: chr11-108153569-A-T.
Other names: c.3709A>T, p.Ile1237Phe (NM_001351834.2); short protein forms I1237F.
Identifiers: ClinVar variation 489540 (VCV000489540.23), dbSNP rs1555092528, ClinGen allele CA382523674.

ClinVar aggregate classification (germline): Uncertain significance. Review status: criteria provided, multiple submitters, no conflicts (2 of 4 stars). 6 submissions from 6 submitters: Uncertain significance (5). 1 of the submissions does not count toward it. Last evaluated 2025-12-30.

Conditions:
Hereditary cancer-predisposing syndrome. Also called: Tumor predisposition; Neoplastic Syndromes, Hereditary; Hereditary Cancer Syndrome; Hereditary neoplastic syndrome. Identifiers: Orphanet 140162, MedGen C0027672, MeSH D009386, MONDO:0015356.
Familial cancer of breast. Also called: BREAST CANCER, FAMILIAL; hereditary breast carcinoma; Hereditary breast cancer. Identifiers: Orphanet 227535, MedGen C0346153, MONDO:0016419, OMIM 114480. Disease mechanism: loss of function.
Ataxia-telangiectasia syndrome (AT). Also called: Ataxia-telangiectasia; Ataxia-telangiectasia, complementation group D; AT, COMPLEMENTATION GROUP C; LOUIS-BAR SYNDROME; Cerebello-oculocutaneous telangiectasia; Immunodeficiency with ataxia telangiectasia. Identifiers: Orphanet 100, MedGen C0004135, MONDO:0008840, OMIM 208900.

gnomAD v4.1: 1 of 1,528,952 alleles (0.000065%); no homozygotes.

Submissions (6):

Labcorp Genetics (formerly Invitae), Labcorp
Classification: Uncertain significance for Ataxia-telangiectasia syndrome. Last evaluated: 2025-12-30. Review status: criteria provided, single submitter. Criteria: Invitae Variant Classification Sherloc (09022015). Collection method: clinical testing. Allele origin: germline.
Comment: This sequence change replaces isoleucine, which is neutral and non-polar, with phenylalanine, which is neutral and non-polar, at codon 1237 of the ATM protein (p.Ile1237Phe). This variant is not present in population databases (gnomAD no frequency). This missense change has been observed in individual(s) with breast cancer (PMID: 29522266). ClinVar contains an entry for this variant (Variation ID: 489540). Invitae Evidence Modeling of protein sequence and biophysical properties (such as structural, functional, and spatial information, amino acid conservation, physicochemical variation, residue mobility, and thermodynamic stability) indicates that this missense variant is not expected to disrupt ATM protein function with a negative predictive value of 95%. In summary, the available evidence is currently insufficient to determine the role of this variant in disease. Therefore, it has been classified as a Variant of Uncertain Significance.

Ambry Genetics
Classification: Uncertain significance for Hereditary cancer-predisposing syndrome. Last evaluated: 2024-10-26. Review status: criteria provided, single submitter. Criteria: Ambry Variant Classification Scheme 2023. Collection method: clinical testing. Allele origin: germline.
Comment: The p.I1237F variant (also known as c.3709A>T), located in coding exon 24 of the ATM gene, results from an A to T substitution at nucleotide position 3709. The isoleucine at codon 1237 is replaced by phenylalanine, an amino acid with highly similar properties. This variant was detected in 1/5589 German BRCA1/2-negative probands with breast cancer (Hauke J et al. Cancer Med, 2018 04;7:1349-1358). This amino acid position is not well conserved in available vertebrate species. In addition, this alteration is predicted to be tolerated by in silico analysis. Based on the available evidence, the clinical significance of this variant remains unclear.

Baylor Genetics
Classification: Uncertain significance for Familial cancer of breast. Last evaluated: 2023-07-16. Review status: criteria provided, single submitter. Criteria: ACMG Guidelines, 2015. Collection method: clinical testing. Allele origin: unknown.

GeneDx
Classification: Uncertain significance. Last evaluated: 2023-02-14. Review status: criteria provided, single submitter. Criteria: GeneDx Variant Classification Process June 2021. Collection method: clinical testing. Allele origin: germline. Affected: yes.
Comment: Not observed at significant frequency in large population cohorts (gnomAD); In silico analysis supports that this missense variant does not alter protein structure/function; Identified in an individual with breast cancer and previous negative BRCA1/2 testing (Hauke et al., 2018); This variant is associated with the following publications: (PMID: 29522266)

Color Diagnostics, LLC DBA Color Health
Classification: Uncertain significance for Hereditary cancer-predisposing syndrome. Last evaluated: 2023-02-06. Review status: criteria provided, single submitter. Criteria: ACMG Guidelines, 2015. Collection method: clinical testing. Allele origin: germline.
Comment: This missense variant replaces isoleucine with phenylalanine at codon 1237 of the ATM protein. Computational prediction suggests that this variant may not impact protein structure and function (internally defined REVEL score threshold <= 0.5, PMID: 27666373). To our knowledge, functional studies have not been reported for this variant. This variant has been reported in individuals affected with breast cancer (PMID: 29522266). This variant has not been identified in the general population by the Genome Aggregation Database (gnomAD). The available evidence is insufficient to determine the role of this variant in disease conclusively. Therefore, this variant is classified as a Variant of Uncertain Significance.

Natera, Inc.
Classification: Uncertain significance for Ataxia-telangiectasia. Last evaluated: 2020-07-14. Review status: no assertion criteria provided. Collection method: clinical testing. Allele origin: germline. Not counted in ClinVar's aggregate classification.

Literature cited by the submitters: PubMed 29522266 (cited by 3 submitters).